The following is an entry in ClinVar:

ClinVar aggregate classification (germline): Uncertain significance. Review status: criteria provided, multiple submitters, no conflicts (2 of 4 stars). 4 submissions from 4 submitters: Uncertain significance (4). Last evaluated 2025-06-07.

Conditions:
Isolated focal cortical dysplasia type II (FCORD2). Also called: CORTICAL DYSPLASIA OF TAYLOR; Focal cortical dysplasia type II. Identifiers: Orphanet 268994, MedGen C1846385, MONDO:0011818, OMIM 607341, HP:0032051.
Hereditary cancer-predisposing syndrome. Also called: Neoplastic Syndromes, Hereditary; Hereditary Cancer Syndrome; Hereditary neoplastic syndrome; Tumor predisposition. Identifiers: Orphanet 140162, MedGen C0027672, MeSH D009386, MONDO:0015356.
Tuberous sclerosis 2 (TSC2). Identifiers: Orphanet 805, MedGen C1860707, MONDO:0013199, OMIM 613254.
Lymphangiomyomatosis (LAM). Also called: Lymphangioleiomyomatosis, somatic; Lymphangioleiomyomatosis. Identifiers: Orphanet 538, MedGen C0751674, MONDO:0011705, OMIM 606690.

Allele frequency attached by ClinVar (database versions not stated): gnomAD exomes below 0.00001.
gnomAD v4.1: 1 of 1,612,196 alleles (0.000062%); highest among the groups gnomAD compares: Non-Finnish European, 0.000085%; no homozygotes.

Submissions (4):

Ambry Genetics
Classification: Uncertain significance for Hereditary cancer-predisposing syndrome. Last evaluated: 2025-06-07. Review status: criteria provided, single submitter. Criteria: Ambry Variant Classification Scheme 2023. Collection method: clinical testing. Allele origin: germline.
Comment: The p.A1617T variant (also known as c.4849G>A), located in coding exon 36 of the TSC2 gene, results from a G to A substitution at nucleotide position 4849. The alanine at codon 1617 is replaced by threonine, an amino acid with similar properties. However, this change occurs in the last base pair of coding exon 36, which makes it likely to have some effect on normal mRNA splicing. This nucleotide position is highly conserved and this amino acid position is well conserved in available vertebrate species. In silico splice site analysis for this alteration is inconclusive; and direct evidence is insufficient at this time (Ambry internal data). In addition, as a missense substitution this alteration is predicted to be tolerated by in silico analysis. Since supporting evidence is limited at this time, the clinical significance of this alteration remains unclear.

Fulgent Genetics
Classification: Uncertain significance for Lymphangiomyomatosis; Isolated focal cortical dysplasia type II; Tuberous sclerosis 2. Last evaluated: 2024-06-11. Review status: criteria provided, single submitter. Criteria: ACMG Guidelines, 2015. Collection method: clinical testing. Allele origin: germline.

Baylor Genetics
Classification: Uncertain significance for Isolated focal cortical dysplasia type II. Last evaluated: 2023-08-22. Review status: criteria provided, single submitter. Criteria: ACMG Guidelines, 2015. Collection method: clinical testing. Allele origin: unknown.

Labcorp Genetics (formerly Invitae), Labcorp
Classification: Uncertain significance for Tuberous sclerosis 2. Last evaluated: 2022-01-15. Review status: criteria provided, single submitter. Criteria: Invitae Variant Classification Sherloc (09022015). Collection method: clinical testing. Allele origin: germline.
Comment: In summary, the available evidence is currently insufficient to determine the role of this variant in disease. Therefore, it has been classified as a Variant of Uncertain Significance. Variants that disrupt the consensus splice site are a relatively common cause of aberrant splicing (PMID: 17576681, 9536098). Algorithms developed to predict the effect of sequence changes on RNA splicing suggest that this variant may disrupt the consensus splice site. Algorithms developed to predict the effect of missense changes on protein structure and function are either unavailable or do not agree on the potential impact of this missense change (SIFT: "Tolerated"; PolyPhen-2: "Probably Damaging"; Align-GVGD: "Class C0"). ClinVar contains an entry for this variant (Variation ID: 847781). This variant has not been reported in the literature in individuals affected with TSC2-related conditions. This variant is not present in population databases (gnomAD no frequency). This sequence change replaces alanine, which is neutral and non-polar, with threonine, which is neutral and polar, at codon 1617 of the TSC2 protein (p.Ala1617Thr). This variant also falls at the last nucleotide of exon 37, which is part of the consensus splice site for this exon.

Literature cited by the submitters: PubMed 17576681 (cited by Labcorp Genetics (formerly Invitae), Labcorp); PubMed 9536098 (cited by Labcorp Genetics (formerly Invitae), Labcorp).

NM_000548.5(TSC2):c.4849G>A (p.Ala1617Thr)

Gene: TSC2 (TSC complex subunit 2; plus strand). Cytogenetic location: 16p13.3.
Variant type: single nucleotide variant.
Coding change: c.4849G>A on transcript NM_000548.5 (MANE Select); coding-DNA position 4849, G replaced by A.
Protein change: p.Ala1617Thr; replaces alanine 1617 with threonine.
Molecular consequence: missense variant.
Genome position (GRCh38, 1-based): chr16:2,086,379, G>A. VCF-style: chr16-2086379-G-A. GRCh37 (hg19) VCF-style: chr16-2136380-G-A.
Other names: c.4648G>A, p.Ala1550Thr (NM_001077183.3); c.4780G>A, p.Ala1594Thr (NM_001114382.3); c.4540G>A, p.Ala1514Thr (NM_001318827.2); c.4504G>A, p.Ala1502Thr (NM_001318829.2); c.4117G>A, p.Ala1373Thr (NM_001318831.2); c.4681G>A, p.Ala1561Thr (NM_001318832.2); c.4651G>A, p.Ala1551Thr (NM_001363528.2); c.4717G>A, p.Ala1573Thr (NM_001370404.1); and 1 more; short protein forms A1551T, A1561T, A1550T, A1573T, A1373T, A1502T, A1514T, A1594T.
Identifiers: ClinVar variation 847781 (VCV000847781.11), dbSNP rs2090791005, ClinGen allele CA394308162.